The following is an entry in ClinVar:

NM_138376.3(TTC5):c.-6C>T

Genes: TTC5 (tetratricopeptide repeat domain 5; minus strand), LOC130055244 (ATAC-STARR-seq lymphoblastoid active region 8067; plus strand). Cytogenetic location: 14q11.2.
Variant type: single nucleotide variant.
Coding change: c.-6C>T on transcript NM_138376.3 (MANE Select); 6 bases upstream of the start codon, C replaced by T.
Molecular consequence: 5 prime UTR variant.
Genome position (GRCh38, 1-based): chr14:20,305,943, G>A on the plus strand (C>T on the coding strand, the complement: TTC5 is on the minus strand). VCF-style: chr14-20305943-G-A. GRCh37 (hg19) VCF-style: chr14-20774102-G-A.
Identifiers: ClinVar variation 2578709 (VCV002578709.25), dbSNP rs138814507, ClinGen allele CA7077203.
Genomic context (GRCh38, chr14:20,305,943, plus strand): 5'-CCACCTGCAATTTCTGCAAGATCGGCTTGACTTCTTCCTCTTCATCAGCCATCATCTCCC[G>A]GCCACTCCACCCCCAACTTTATAACCACAGAGACGCACGCCCTCTCTCACCGCGGAACCA-3'

ClinVar aggregate classification (germline): Likely benign (1 of 4 stars; one submission).

Allele frequency attached by ClinVar (database versions not stated): ExAC 0.00102; ESP Exome Variant Server 0.00315; gnomAD 0.00315; TOPMed 0.00369; 1000 Genomes Project 0.00419; 1000 Genomes Project 30x 0.00468.
gnomAD v4.1: 968 of 1,613,564 alleles (0.06%); highest among the groups gnomAD compares: African/African-American, 1.1%; 5 homozygotes.

Submission:

CeGaT Center for Human Genetics Tuebingen
Classification: Likely benign. Last evaluated: 2023-07-01. Review status: criteria provided, single submitter. Criteria: CeGaT Center For Human Genetics Tuebingen Variant Classification Criteria Version 2. Collection method: clinical testing. Allele origin: germline. Affected: yes. Observed: 1 variant allele.
Comment: TTC5: BP4, BS1